The following is an entry in ClinVar:

NM_144691.4(CAPN12):c.1311C>T (p.Arg437=)

Gene: CAPN12 (calpain 12; minus strand). Cytogenetic location: 19q13.2.
Variant type: single nucleotide variant.
Coding change: c.1311C>T on transcript NM_144691.4 (MANE Select); coding-DNA position 1311, C replaced by T.
Protein change: p.Arg437=; no amino-acid change (arginine 437 retained).
Molecular consequence: synonymous variant.
Genome position (GRCh38, 1-based): chr19:38,737,207, G>A on the plus strand (C>T on the coding strand, the complement: CAPN12 is on the minus strand). VCF-style: chr19-38737207-G-A. GRCh37 (hg19) VCF-style: chr19-39227847-G-A.
Identifiers: ClinVar variation 777473 (VCV000777473.7), dbSNP rs200543207, ClinGen allele CA9418818.
Genomic context (GRCh38, chr19:38,737,207, plus strand): 5'-GGACCTCACCTGGAACACGTGGAAGCCAACGGTGAGGTAAGTGAGGCCCTTGGCTCTCAG[G>A]CGCCGCCGGTTGCGCTGGATGAGGGACAGAAGGACCGTGCACTTGGGCGTGCGGCCCCCC-3'
Protein context (NP_653292.2, residues 427-447): LLSLIQRNRR[Arg437=]LRAKGLTYLT

ClinVar aggregate classification (germline): Benign. Review status: criteria provided, multiple submitters, no conflicts (2 of 4 stars). 3 submissions from 3 submitters: Benign (2). 1 of the submissions does not count toward it. Last evaluated 2019-12-31.

Conditions:
CAPN12-related disorder. Also called: CAPN12-related condition.

Allele frequency attached by ClinVar (database versions not stated): gnomAD exomes 0.00057 and 0.00173; ExAC 0.00380; ESP Exome Variant Server 0.00500; gnomAD 0.00664 and 0.00698; TOPMed 0.00745; 1000 Genomes Project 0.01058; 1000 Genomes Project 30x 0.01140.

Submissions (3):

Labcorp Genetics (formerly Invitae), Labcorp
Classification: Benign. Last evaluated: 2019-12-31. Review status: criteria provided, single submitter. Criteria: Invitae Variant Classification Sherloc (09022015). Collection method: clinical testing. Allele origin: germline.

Breakthrough Genomics
Classification: Benign. Review status: criteria provided, single submitter. Criteria: ACMG Guidelines, 2015. Collection method: not provided. Allele origin: germline. Inheritance: Unknown mechanism. Affected: yes.

PreventionGenetics, part of Exact Sciences
Classification: Benign for CAPN12-related condition. Last evaluated: 2020-02-18. Review status: no assertion criteria provided. Collection method: clinical testing. Allele origin: germline. Not counted in ClinVar's aggregate classification.
Comment: This variant is classified as benign based on ACMG/AMP sequence variant interpretation guidelines (Richards et al. 2015 PMID: 25741868, with internal and published modifications).